The following is an entry in ClinVar:

NM_001382.4(DPAGT1):c.1177A>G (p.Ile393Val)

Gene: DPAGT1 (dolichyl-phosphate N-acetylglucosaminephosphotransferase 1; minus strand). Cytogenetic location: 11q23.3.
Variant type: single nucleotide variant.
Coding change: c.1177A>G on transcript NM_001382.4 (MANE Select); coding-DNA position 1177, A replaced by G.
Protein change: p.Ile393Val; replaces isoleucine 393 with valine.
Molecular consequence: missense variant.
Genome position (GRCh38, 1-based): chr11:119,097,048, T>C on the plus strand (A>G on the coding strand, the complement: DPAGT1 is on the minus strand). VCF-style: chr11-119097048-T-C. GRCh37 (hg19) VCF-style: chr11-118967758-T-C.
Other names: short protein forms I393V.
Identifiers: ClinVar variation 93728 (VCV000093728.30), dbSNP rs643788, ClinGen allele CA147257.

ClinVar aggregate classification (germline): Benign. Review status: criteria provided, multiple submitters, no conflicts (2 of 4 stars). 12 submissions from 11 submitters: Benign (10). 2 of the submissions do not count toward it. Last evaluated 2026-02-04.

Conditions:
DPAGT1-congenital disorder of glycosylation. Also called: CONGENITAL DISORDER OF GLYCOSYLATION, TYPE Ij; CDG Ij; DPAGT1-CDG. Identifiers: Orphanet 86309, MedGen C2931004, MONDO:0011964, OMIM 608093.
Congenital myasthenic syndrome 13 (CMS13). Also called: Myasthenic syndrome, congenital, 13, with tubular aggregates; Myasthenic syndrome, congenital, with tubular aggregates 2. Identifiers: Orphanet 353327, Orphanet 590, MedGen C3553645, MONDO:0013883, OMIM 614750.

Allele frequency attached by ClinVar (database versions not stated): gnomAD 0.38910 and 0.38193; gnomAD exomes 0.41808 and 0.42550; 1000 Genomes Project 0.43331; TOPMed 0.38092; ESP Exome Variant Server 0.38722; 1000 Genomes Project 30x 0.42630; ExAC 0.42147.
gnomAD v4.1: 682,156 of 1,613,754 alleles (42%); highest among the groups gnomAD compares: East Asian, 63%; 147,791 homozygotes.

Submissions (12):

Labcorp Genetics (formerly Invitae), Labcorp
Classification: Benign for Congenital myasthenic syndrome 13; DPAGT1-congenital disorder of glycosylation. Last evaluated: 2026-02-04. Review status: criteria provided, single submitter. Criteria: Invitae Variant Classification Sherloc (09022015). Collection method: clinical testing. Allele origin: germline.

Genome-Nilou Lab
Classification: Benign for DPAGT1-congenital disorder of glycosylation. Last evaluated: 2021-07-30. Review status: criteria provided, single submitter. Criteria: ACMG Guidelines, 2015. Collection method: clinical testing. Allele origin: germline. Affected: no.

Genome-Nilou Lab
Classification: Benign for Congenital myasthenic syndrome 13. Last evaluated: 2021-07-30. Review status: criteria provided, single submitter. Criteria: ACMG Guidelines, 2015. Collection method: clinical testing. Allele origin: germline. Affected: no.

Mayo Clinic Laboratories, Mayo Clinic
Classification: Benign. Last evaluated: 2018-09-25. Review status: criteria provided, single submitter. Criteria: ACMG Guidelines, 2015. Collection method: clinical testing. Allele origin: germline. Observed: 297 variant alleles.

Illumina Laboratory Services, Illumina
Classification: Benign for DPAGT1-congenital disorder of glycosylation. Last evaluated: 2018-01-13. Review status: criteria provided, single submitter. Criteria: ICSL Variant Classification Criteria 13 December 2019. Collection method: clinical testing. Allele origin: germline.
Comment: This variant was observed in the ICSL laboratory as part of a predisposition screen in an ostensibly healthy population. It had not been previously curated by ICSL or reported in the Human Gene Mutation Database (HGMD: prior to June 1st, 2018), and was therefore a candidate for classification through an automated scoring system. Utilizing variant allele frequency, disease prevalence and penetrance estimates, and inheritance mode, an automated score was calculated to assess if this variant is too frequent to cause the disease. Based on the score and internal cut-off values, a variant classified as benign is not then subjected to further curation. The score for this variant resulted in a classification of benign for this disease.

GeneDx
Classification: Benign. Last evaluated: 2015-12-02. Review status: criteria provided, single submitter. Criteria: GeneDx Variant Classification (06012015). Collection method: clinical testing. Allele origin: germline. Affected: yes.
Comment: This variant is considered likely benign or benign based on one or more of the following criteria: it is a conservative change, it occurs at a poorly conserved position in the protein, it is predicted to be benign by multiple in silico algorithms, and/or has population frequency not consistent with disease.

Genetic Services Laboratory, University of Chicago
Classification: Benign for AllHighlyPenetrant. Last evaluated: 2013-08-15. Review status: criteria provided, single submitter. Criteria: ACMG Guidelines, 2007. Collection method: clinical testing. Allele origin: germline. Inheritance: Autosomal recessive inheritance.

Eurofins Ntd Llc (ga)
Classification: Benign. Last evaluated: 2012-07-10. Review status: criteria provided, single submitter. Criteria: EGL Classification Definitions 2015. Collection method: clinical testing. Allele origin: germline. Observed: 30 variant alleles, 14 heterozygotes, 16 homozygotes.

Breakthrough Genomics
Classification: Benign. Review status: criteria provided, single submitter. Criteria: ACMG Guidelines, 2015. Collection method: not provided. Allele origin: germline. Inheritance: Autosomal recessive inheritance. Affected: yes.

PreventionGenetics, part of Exact Sciences
Classification: Benign. Review status: criteria provided, single submitter. Criteria: ACMG Guidelines, 2015. Collection method: clinical testing. Allele origin: germline.

Diagnostic Laboratory, Department of Genetics, University Medical Center Groningen
Classification: Benign. Review status: no assertion criteria provided. Collection method: clinical testing. Allele origin: germline. Affected: yes. Study: VKGL Data-share Consensus. Not counted in ClinVar's aggregate classification.

Genome Diagnostics Laboratory, University Medical Center Utrecht
Classification: Benign. Review status: no assertion criteria provided. Collection method: clinical testing. Allele origin: germline. Affected: yes. Study: VKGL Data-share Consensus. Not counted in ClinVar's aggregate classification.